The following is an entry in ClinVar:

ClinVar aggregate classification (germline): Pathogenic/Likely pathogenic. Review status: criteria provided, multiple submitters, no conflicts (2 of 4 stars). 3 submissions from 3 submitters: Pathogenic (2); Likely pathogenic (1). Last evaluated 2024-07-15.

Conditions:
X-linked Alport syndrome (ATS1). Also called: NEPHROPATHY AND DEAFNESS, X-LINKED; COL4A5-Related Nephropathy. Identifiers: Orphanet 63, Orphanet 88917, MedGen C4746986, MONDO:0010520, OMIM 301050.

Submissions (3):

GeneDx
Classification: Pathogenic. Last evaluated: 2024-07-15. Review status: criteria provided, single submitter. Criteria: GeneDx Variant Classification Process June 2021. Collection method: clinical testing. Allele origin: germline. Affected: yes.
Comment: Affects a glycine residue in a Gly-X-Y motif in the triple helical region of the COL4A5 gene, where the majority of pathogenic missense variants occur, and is predicted to disrupt normal protein folding and function (HGMD; PMID: 10752524); Not observed at significant frequency in large population cohorts (gnomAD); Reported in the heterozygous state in association with renal disease in published literature (PMID: 31328266); In silico analysis supports that this missense variant has a deleterious effect on protein structure/function; This variant is associated with the following publications: (PMID: 31328266)

Fulgent Genetics
Classification: Pathogenic for X-linked Alport syndrome. Last evaluated: 2021-09-06. Review status: criteria provided, single submitter. Criteria: ACMG Guidelines, 2015. Collection method: clinical testing. Allele origin: unknown.

Labcorp Genetics (formerly Invitae), Labcorp
Classification: Likely pathogenic. Last evaluated: 2020-06-23. Review status: criteria provided, single submitter. Criteria: Invitae Variant Classification Sherloc (09022015). Collection method: clinical testing. Allele origin: germline.
Comment: This sequence change replaces glycine with glutamic acid at codon 1036 of the COL4A5 protein (p.Gly1036Glu). The glycine residue is highly conserved and there is a moderate physicochemical difference between glycine and glutamic acid. This variant is not present in population databases (ExAC no frequency). This variant has been observed in individual(s) with clinical features of Alport syndrome (Invitae). Glycine residues within the Gly-Xaa-Yaa repeats of the triple helix domain are required for the structure and stability of fibrillar collagens (PMID: 7695699, 8218237, 19344236). In COL4A5, missense variants at these glycine residues are significantly enriched in individuals with disease (PMID: 23720012, 27627812) compared to the general population (ExAC) In summary, the currently available evidence indicates that the variant is pathogenic, but additional data are needed to prove that conclusively. Therefore, this variant has been classified as Likely Pathogenic.

Literature cited by the submitters: PubMed 7695699 (cited by Labcorp Genetics (formerly Invitae), Labcorp); PubMed 8218237 (cited by Labcorp Genetics (formerly Invitae), Labcorp); PubMed 19344236 (cited by Labcorp Genetics (formerly Invitae), Labcorp); PubMed 23720012 (cited by Labcorp Genetics (formerly Invitae), Labcorp); PubMed 27627812 (cited by Labcorp Genetics (formerly Invitae), Labcorp).

NM_033380.3(COL4A5):c.3107G>A (p.Gly1036Glu)

Gene: COL4A5 (collagen type IV alpha 5 chain; plus strand). Cytogenetic location: Xq22.3.
Variant type: single nucleotide variant.
Coding change: c.3107G>A on transcript NM_033380.3 (MANE Select); coding-DNA position 3107, G replaced by A.
Protein change: p.Gly1036Glu; replaces glycine 1036 with glutamic acid.
Molecular consequence: missense variant.
Genome position (GRCh38, 1-based): chrX:108,626,210, G>A. VCF-style: chrX-108626210-G-A. GRCh37 (hg19) VCF-style: chrX-107869440-G-A.
Other names: c.3107G>A, p.Gly1036Glu (NM_000495.5); short protein forms G1036E.
Identifiers: ClinVar variation 1066759 (VCV001066759.14), dbSNP rs104886212, ClinGen allele CA413854841.
Genomic context (GRCh38, chrX:108,626,210, plus strand): 5'-TAGATAATCCACAAGTAAAGCATATTTTGTAAAATATTATATATCACATATTTTCAACAG[G>A]GCCTCAGGGTGTGGAAGGGCCTCCTGGACCTTCTGGAGTTCCTGGACAACCTGGCTCCCC-3'
Protein context (NP_203699.1, residues 1026-1046): KGTIGDMGFP[Gly1036Glu]PQGVEGPPGP